The following is an entry in ClinVar:

NM_001166114.2(PNPLA6):c.1485C>T (p.Ile495=)

Gene: PNPLA6 (patatin like domain 6, lysophospholipase; plus strand). Cytogenetic location: 19p13.2.
Variant type: single nucleotide variant.
Coding change: c.1485C>T on transcript NM_001166114.2 (MANE Select); coding-DNA position 1485, C replaced by T.
Protein change: p.Ile495=; no amino-acid change (isoleucine 495 retained).
Molecular consequence: synonymous variant.
Genome position (GRCh38, 1-based): chr19:7,542,883, C>T. VCF-style: chr19-7542883-C-T. GRCh37 (hg19) VCF-style: chr19-7607769-C-T.
Other names: p.Ile456=; c.1512C>T, p.Ile504= (NM_001166111.2); c.1368C>T, p.Ile456= (NM_001166112.2, NM_001166113.1, NM_006702.5).
Identifiers: ClinVar variation 469614 (VCV000469614.49), dbSNP rs199903577, ClinGen allele CA9139823.

ClinVar aggregate classification (germline): Benign/Likely benign. Review status: criteria provided, multiple submitters, no conflicts (2 of 4 stars). 9 submissions from 9 submitters: Benign (4); Likely benign (3). 2 of the submissions do not count toward it. Last evaluated 2026-06-01.

Conditions:
Hereditary spastic paraplegia. Also called: Familial spastic paraparesis. Identifiers: Orphanet 685, MedGen C0037773, MONDO:0019064. Disease mechanism: loss of function.
Hereditary spastic paraplegia 39 (SPG39). Also called: SPASTIC PARAPLEGIA 39, AUTOSOMAL RECESSIVE; Spastic Paraplegia Type 39 (SPG39). Identifiers: Orphanet 139480, MedGen C2677586, MONDO:0012787, OMIM 612020.

Allele frequency attached by ClinVar (database versions not stated): ESP Exome Variant Server 0.00031; gnomAD 0.00089 and 0.00114; TOPMed 0.00101; 1000 Genomes Project 0.00200; 1000 Genomes Project 30x 0.00203; gnomAD exomes 0.00250; ExAC 0.00263.
gnomAD v4.1: 2,602 of 1,613,428 alleles (0.16%); highest among the groups gnomAD compares: South Asian, 1.1%; 17 homozygotes.

Submissions (9):

CeGaT Center for Human Genetics Tuebingen
Classification: Benign. Last evaluated: 2026-06-01. Review status: criteria provided, single submitter. Criteria: CeGaT Center For Human Genetics Tuebingen Variant Classification Criteria Version 2. Collection method: clinical testing. Allele origin: germline. Affected: yes. Observed: 7 variant alleles.
Comment: PNPLA6: BP4, BS1, BS2

Labcorp Genetics (formerly Invitae), Labcorp
Classification: Benign for Hereditary spastic paraplegia 39. Last evaluated: 2025-12-13. Review status: criteria provided, single submitter. Criteria: Invitae Variant Classification Sherloc (09022015). Collection method: clinical testing. Allele origin: germline.

Mayo Clinic Laboratories, Mayo Clinic
Classification: Benign. Last evaluated: 2020-09-29. Review status: criteria provided, single submitter. Criteria: ACMG Guidelines, 2015. Collection method: clinical testing. Allele origin: germline. Observed: 6 variant alleles.

Genome Diagnostics Laboratory, The Hospital for Sick Children
Classification: Likely benign for Hereditary spastic paraplegia. Last evaluated: 2018-10-01. Review status: criteria provided, single submitter. Criteria: ACMG Guidelines, 2015. Collection method: clinical testing. Allele origin: germline. Affected: yes.

Illumina Laboratory Services, Illumina
Classification: Likely benign for Hereditary spastic paraplegia 39. Last evaluated: 2018-01-12. Review status: criteria provided, single submitter. Criteria: ICSL Variant Classification Criteria 13 December 2019. Collection method: clinical testing. Allele origin: germline.
Comment: This variant was observed in the ICSL laboratory as part of a predisposition screen in an ostensibly healthy population. It had not been previously curated by ICSL or reported in the Human Gene Mutation Database (HGMD: prior to June 1st, 2018), and was therefore a candidate for classification through an automated scoring system. Utilizing variant allele frequency, disease prevalence and penetrance estimates, and inheritance mode, an automated score was calculated to assess if this variant is too frequent to cause the disease. Based on the score and internal cut-off values, a variant classified as likely benign is not then subjected to further curation. The score for this variant resulted in a classification of likely benign for this disease.

GeneDx
Classification: Benign. Last evaluated: 2017-04-18. Review status: criteria provided, single submitter. Criteria: GeneDx Variant Classification (06012015). Collection method: clinical testing. Allele origin: germline. Affected: yes.
Comment: This variant is considered likely benign or benign based on one or more of the following criteria: it is a conservative change, it occurs at a poorly conserved position in the protein, it is predicted to be benign by multiple in silico algorithms, and/or has population frequency not consistent with disease.

Breakthrough Genomics
Classification: Likely benign. Review status: criteria provided, single submitter. Criteria: ACMG Guidelines, 2015. Collection method: not provided. Allele origin: germline. Inheritance: Autosomal recessive inheritance. Affected: yes.

Clinical Genetics DNA and cytogenetics Diagnostics Lab, Erasmus MC, Erasmus Medical Center
Classification: Likely benign. Review status: no assertion criteria provided. Collection method: clinical testing. Allele origin: germline. Affected: yes. Study: VKGL Data-share Consensus. Not counted in ClinVar's aggregate classification.

Clinical Genetics, Academic Medical Center
Classification: Benign. Review status: no assertion criteria provided. Collection method: clinical testing. Allele origin: germline. Affected: yes. Study: VKGL Data-share Consensus. Not counted in ClinVar's aggregate classification.